The following is an entry in ClinVar:

ClinVar aggregate classification (germline): Likely benign (1 of 4 stars; one submission).

gnomAD v4.1: 24 of 1,610,992 alleles (0.0015%); highest among the groups gnomAD compares: South Asian, 0.024%; no homozygotes.

Submission:

CeGaT Center for Human Genetics Tuebingen
Classification: Likely benign. Last evaluated: 2025-09-01. Review status: criteria provided, single submitter. Criteria: CeGaT Center For Human Genetics Tuebingen Variant Classification Criteria Version 2. Collection method: clinical testing. Allele origin: germline. Affected: yes. Observed: 1 variant allele.
Comment: F12: BP4

NM_000505.4(F12):c.874C>G (p.Leu292Val)

Gene: F12 (coagulation factor XII; minus strand). Cytogenetic location: 5q35.3.
Variant type: single nucleotide variant.
Coding change: c.874C>G on transcript NM_000505.4 (MANE Select); coding-DNA position 874, C replaced by G.
Protein change: p.Leu292Val; replaces leucine 292 with valine.
Molecular consequence: missense variant.
Genome position (GRCh38, 1-based): chr5:177,404,340, G>C on the plus strand (C>G on the coding strand, the complement: F12 is on the minus strand). VCF-style: chr5-177404340-G-C. GRCh37 (hg19) VCF-style: chr5-176831341-G-C.
Other names: short protein forms L292V.
Identifiers: ClinVar variation 4281397 (VCV004281397.7).